The following is an entry in ClinVar:

ClinVar aggregate classification (germline): Uncertain significance (1 of 4 stars; one submission).

Submission:

Women's Health and Genetics/Laboratory Corporation of America, LabCorp
Classification: Uncertain significance. Last evaluated: 2026-06-15. Review status: criteria provided, single submitter. Criteria: LabCorp Variant Classification Summary - May 2015. Collection method: clinical testing. Allele origin: germline.
Comment: Variant summary: ADNP c.847C>T (p.Leu283Phe) results in a non-conservative amino acid change in the encoded protein sequence. Algorithms developed to predict the effect of missense changes on protein structure and function are either unavailable or do not agree on the potential impact of this missense change. The variant was absent in 251332 control chromosomes. The available data on variant occurrences in the general population are insufficient to allow any conclusion about variant significance. To our knowledge, no occurrence of c.847C>T in individuals affected with ADNP-related conditions and no experimental evidence demonstrating its impact on protein function have been reported. No submitters have cited clinical-significance assessments for this variant to ClinVar. Based on the evidence outlined above, the variant was classified as uncertain significance.

NM_001282531.3(ADNP):c.847C>T (p.Leu283Phe)

Gene: ADNP (activity dependent neuroprotector homeobox; minus strand). Cytogenetic location: 20q13.13.
Variant type: single nucleotide variant.
Coding change: c.847C>T on transcript NM_001282531.3 (MANE Select); coding-DNA position 847, C replaced by T.
Protein change: p.Leu283Phe; replaces leucine 283 with phenylalanine.
Molecular consequence: missense variant.
Genome position (GRCh38, 1-based): chr20:50,893,867, G>A on the plus strand (C>T on the coding strand, the complement: ADNP is on the minus strand). VCF-style: chr20-50893867-G-A. GRCh37 (hg19) VCF-style: chr20-49510404-G-A.
Other names: c.847C>T, p.Leu283Phe (NM_001282532.2, NM_001347511.2, NM_015339.5 and 1 more transcripts); c.1063C>T, p.Leu355Phe (NM_001439000.1); c.163C>T, p.Leu55Phe (NM_001439001.1); short protein forms L283F, L355F, L55F.
Identifiers: ClinVar variation 4887231 (VCV004887231.1).